The following is an entry in ClinVar:

ClinVar aggregate classification (germline): Conflicting classifications of pathogenicity. Review status: criteria provided, conflicting classifications (1 of 4 stars). 2 submissions from 2 submitters: Uncertain significance (1); Likely benign (1). Last evaluated 2024-01-03.

Allele frequency attached by ClinVar (database versions not stated): gnomAD exomes below 0.00001.
gnomAD v4.1: 2 of 1,554,896 alleles (0.00013%); highest among the groups gnomAD compares: Non-Finnish European, 0.000087%; no homozygotes.

Submissions (2):

Blueprint Genetics
Classification: Likely benign. Last evaluated: 2024-01-03. Review status: criteria provided, single submitter. Criteria: ACMG Guidelines, 2015. Collection method: clinical testing. Allele origin: germline.

Labcorp Genetics (formerly Invitae), Labcorp
Classification: Uncertain significance. Last evaluated: 2022-12-07. Review status: criteria provided, single submitter. Criteria: Invitae Variant Classification Sherloc (09022015). Collection method: clinical testing. Allele origin: germline.
Comment: In summary, the available evidence is currently insufficient to determine the role of this variant in disease. Therefore, it has been classified as a Variant of Uncertain Significance. Algorithms developed to predict the effect of missense changes on protein structure and function are either unavailable or do not agree on the potential impact of this missense change (SIFT: "Deleterious"; PolyPhen-2: "Benign"; Align-GVGD: "Class C0"). This variant has not been reported in the literature in individuals affected with YME1L1-related conditions. This variant is not present in population databases (gnomAD no frequency). This sequence change replaces isoleucine, which is neutral and non-polar, with threonine, which is neutral and polar, at codon 71 of the YME1L1 protein (p.Ile71Thr).

NM_014263.4(YME1L1):c.168+1281T>C

Gene: YME1L1 (YME1 like 1 ATPase; minus strand). Cytogenetic location: 10p12.1.
Variant type: single nucleotide variant.
Coding change: c.168+1281T>C on transcript NM_014263.4 (MANE Select); 1281 bases into the intron after coding-DNA position 168, T replaced by C.
Molecular consequence: intron variant. On other transcripts: missense variant (1).
Genome position (GRCh38, 1-based): chr10:27,147,625, A>G on the plus strand (T>C on the coding strand, the complement: YME1L1 is on the minus strand). VCF-style: chr10-27147625-A-G. GRCh37 (hg19) VCF-style: chr10-27436554-A-G.
Other names: c.212T>C, p.Ile71Thr (NM_139312.3); c.168+1281T>C (NM_001253866.2); short protein forms I71T.
Identifiers: ClinVar variation 2163253 (VCV002163253.3), dbSNP rs2057159498, ClinGen allele CA376377872.